The following is an entry in ClinVar:

NM_004656.4(BAP1):c.233A>C (p.Asn78Thr)

Gene: BAP1 (BRCA1 associated deubiquitinase 1; minus strand). Cytogenetic location: 3p21.1.
Variant type: single nucleotide variant.
Coding change: c.233A>C on transcript NM_004656.4 (MANE Select); coding-DNA position 233, A replaced by C.
Protein change: p.Asn78Thr; replaces asparagine 78 with threonine.
Molecular consequence: missense variant.
Genome position (GRCh38, 1-based): chr3:52,408,496, T>G on the plus strand (A>C on the coding strand, the complement: BAP1 is on the minus strand). VCF-style: chr3-52408496-T-G. GRCh37 (hg19) VCF-style: chr3-52442512-T-G.
Other names: short protein forms N78T.
Identifiers: ClinVar variation 490848 (VCV000490848.16), dbSNP rs1319729011, ClinGen allele CA353113042.

ClinVar aggregate classification (germline): Uncertain significance. Review status: criteria provided, multiple submitters, no conflicts (2 of 4 stars). 3 submissions from 3 submitters: Uncertain significance (3). Last evaluated 2025-12-10.

Conditions:
Hereditary cancer-predisposing syndrome. Also called: Hereditary Cancer Syndrome; Neoplastic Syndromes, Hereditary; Tumor predisposition; Hereditary neoplastic syndrome. Identifiers: Orphanet 140162, MedGen C0027672, MeSH D009386, MONDO:0015356.
BAP1-related tumor predisposition syndrome (TPDS1). Also called: Tumor susceptibility linked to germline BAP1 mutations; BAP1 tumor predisposition syndrome; COMMON Syndrome; TUMOR PREDISPOSITION SYNDROME 1. Identifiers: Orphanet 289539, MedGen C3280492, MONDO:0013692, OMIM 614327.

Allele frequency attached by ClinVar (database versions not stated): TOPMed below 0.00001; gnomAD 0.00001.
gnomAD v4.1: 1 of 1,612,158 alleles (0.000062%); highest among the groups gnomAD compares: Non-Finnish European, 0.000085%; no homozygotes.

Submissions (3):

Ambry Genetics
Classification: Uncertain significance for Hereditary cancer-predisposing syndrome. Last evaluated: 2025-12-10. Review status: criteria provided, single submitter. Criteria: Ambry Variant Classification Scheme 2023. Collection method: clinical testing. Allele origin: germline.
Comment: The p.N78T variant (also known as c.233A>C), located in coding exon 4 of the BAP1 gene, results from an A to C substitution at nucleotide position 233. The asparagine at codon 78 is replaced by threonine, an amino acid with similar properties. This variant has been observed in at least one individual with a personal and/or family history that is consistent with BAP1-related tumor predisposition syndrome (Ambry internal data). This amino acid position is highly conserved in available vertebrate species. In addition, this alteration is predicted to be tolerated by in silico analysis. Since supporting evidence is limited at this time, the clinical significance of this alteration remains unclear.

Color Diagnostics, LLC DBA Color Health
Classification: Uncertain significance for Hereditary cancer-predisposing syndrome. Last evaluated: 2025-05-21. Review status: criteria provided, single submitter. Criteria: ACMG Guidelines, 2015. Collection method: clinical testing. Allele origin: germline.
Comment: This missense variant replaces asparagine with threonine at codon 78 of the BAP1 protein. Computational prediction suggests that this variant may not impact protein structure and function. To our knowledge, functional studies have not been reported for this variant. This variant has not been reported in individuals affected with BAP1-related disorders in the literature. This variant has not been identified in the general population by the Genome Aggregation Database (gnomAD). The available evidence is insufficient to determine the role of this variant in disease conclusively. Therefore, this variant is classified as a Variant of Uncertain Significance.

Labcorp Genetics (formerly Invitae), Labcorp
Classification: Uncertain significance for BAP1-related tumor predisposition syndrome. Last evaluated: 2025-05-05. Review status: criteria provided, single submitter. Criteria: Invitae Variant Classification Sherloc (09022015). Collection method: clinical testing. Allele origin: germline.
Comment: This sequence change replaces asparagine, which is neutral and polar, with threonine, which is neutral and polar, at codon 78 of the BAP1 protein (p.Asn78Thr). This variant is not present in population databases (gnomAD no frequency). This variant has not been reported in the literature in individuals affected with BAP1-related conditions. ClinVar contains an entry for this variant (Variation ID: 490848). Invitae Evidence Modeling of protein sequence and biophysical properties (such as structural, functional, and spatial information, amino acid conservation, physicochemical variation, residue mobility, and thermodynamic stability) has been performed for this missense variant. However, the output from this modeling did not meet the statistical confidence thresholds required to predict the impact of this variant on BAP1 protein function. In summary, the available evidence is currently insufficient to determine the role of this variant in disease. Therefore, it has been classified as a Variant of Uncertain Significance.